The following is an entry in ClinVar:

NM_003049.4(SLC10A1):c.713A>G (p.Tyr238Cys)

Gene: SLC10A1 (solute carrier family 10 member 1; minus strand). Cytogenetic location: 14q24.1.
Variant type: single nucleotide variant.
Coding change: c.713A>G on transcript NM_003049.4 (MANE Select); coding-DNA position 713, A replaced by G.
Protein change: p.Tyr238Cys; replaces tyrosine 238 with cysteine.
Molecular consequence: missense variant.
Genome position (GRCh38, 1-based): chr14:69,779,215, T>C on the plus strand (A>G on the coding strand, the complement: SLC10A1 is on the minus strand). VCF-style: chr14-69779215-T-C. GRCh37 (hg19) VCF-style: chr14-70245932-T-C.
Other names: short protein forms Y238C.
Identifiers: ClinVar variation 4991842 (VCV004991842.1).
Genomic context (GRCh38, chr14:69,779,215, plus strand): 5'-TTTCTTAAAAAAAAAAAAAATACCTACCGTCCATTGAGGCAGAAGAGAGCAGAGAGAACA[T>C]AACCCAGCAGAAAGCCAATAAAAGGCATCAGGGAGGAGGTGGCAATCAAGAGTGGTGTCA-3'
Protein context (NP_003040.1, residues 228-248): LMPFIGFLLG[Tyr238Cys]VLSALFCLNG

ClinVar aggregate classification (germline): Uncertain significance (1 of 4 stars; one submission).

Conditions:
SLC10A1-related disorder. Also called: SLC10A1-related condition.

gnomAD v4.1: 2 of 1,609,504 alleles (0.00012%); highest among the groups gnomAD compares: African/African-American, 0.0027%; no homozygotes.

Submission:

PreventionGenetics, part of Exact Sciences
Classification: Uncertain significance for SLC10A1-related condition. Last evaluated: 2026-01-04. Review status: criteria provided, single submitter. Criteria: ACMG Guidelines, 2015. Collection method: clinical testing. Allele origin: germline.
Comment: The SLC10A1 c.713A>G variant is predicted to result in the amino acid substitution p.Tyr238Cys. To our knowledge, this variant has not been reported in the literature. This variant is reported in 0.0% of alleles in individuals of African descent in gnomAD. At this time, the clinical significance of this variant is uncertain due to the absence of conclusive functional and genetic evidence.